The following is an entry in ClinVar:

ClinVar aggregate classification (germline): Conflicting classifications of pathogenicity. Review status: criteria provided, conflicting classifications (1 of 4 stars). 2 submissions from 2 submitters: Uncertain significance (1); Likely benign (1). Last evaluated 2025-01-29.

Conditions:
Emery-Dreifuss muscular dystrophy 5, autosomal dominant (EDMD5). Also called: EMERY-DREIFUSS MUSCULAR DYSTROPHY 5. Identifiers: Orphanet 261, MedGen C2751805, MONDO:0013072, OMIM 612999.

Allele frequency attached by ClinVar (database versions not stated): gnomAD 0.00001 and 0.00002; ExAC 0.00002; gnomAD exomes 0.00002 and 0.00003; TOPMed 0.00003; ESP Exome Variant Server 0.00008; 1000 Genomes Project 30x 0.00016; 1000 Genomes Project 0.00020.
gnomAD v4.1: 39 of 1,613,990 alleles (0.0024%); highest among the groups gnomAD compares: Non-Finnish European, 0.0024%; no homozygotes.

Submissions (2):

Labcorp Genetics (formerly Invitae), Labcorp
Classification: Uncertain significance for Emery-Dreifuss muscular dystrophy 5, autosomal dominant. Last evaluated: 2025-01-29. Review status: criteria provided, single submitter. Criteria: Invitae Variant Classification Sherloc (09022015). Collection method: clinical testing. Allele origin: germline.
Comment: This sequence change replaces arginine, which is basic and polar, with glutamine, which is neutral and polar, at codon 3887 of the SYNE2 protein (p.Arg3887Gln). This variant is present in population databases (rs181798411, gnomAD 0.03%). This variant has not been reported in the literature in individuals affected with SYNE2-related conditions. ClinVar contains an entry for this variant (Variation ID: 570639). An algorithm developed to predict the effect of missense changes on protein structure and function outputs the following: PolyPhen-2: "Benign". The glutamine amino acid residue is found in multiple mammalian species, which suggests that this missense change does not adversely affect protein function. In summary, the available evidence is currently insufficient to determine the role of this variant in disease. Therefore, it has been classified as a Variant of Uncertain Significance.

Ambry Genetics
Classification: Likely benign. Last evaluated: 2023-03-22. Review status: criteria provided, single submitter. Criteria: Ambry Variant Classification Scheme 2023. Collection method: clinical testing. Allele origin: germline.

NM_182914.3(SYNE2):c.11660G>A (p.Arg3887Gln)

Gene: SYNE2 (spectrin repeat containing nuclear envelope protein 2; plus strand). Cytogenetic location: 14q23.2.
Variant type: single nucleotide variant.
Coding change: c.11660G>A on transcript NM_182914.3 (MANE Select); coding-DNA position 11660, G replaced by A.
Protein change: p.Arg3887Gln; replaces arginine 3887 with glutamine.
Molecular consequence: missense variant.
Genome position (GRCh38, 1-based): chr14:64,087,846, G>A. VCF-style: chr14-64087846-G-A. GRCh37 (hg19) VCF-style: chr14-64554564-G-A.
Other names: c.11660G>A, p.Arg3887Gln (NM_015180.6); short protein forms R3887Q.
Identifiers: ClinVar variation 570639 (VCV000570639.9), dbSNP rs181798411, ClinGen allele CA7221862.